The following is an entry in ClinVar:

ClinVar aggregate classification (germline): Uncertain significance. Review status: criteria provided, multiple submitters, no conflicts (2 of 4 stars). 2 submissions from 2 submitters: Uncertain significance (2). Last evaluated 2025-06-18.

Conditions:
Inborn genetic diseases. Identifiers: MedGen C0950123, MeSH D030342.

gnomAD v4.1: 10 of 1,614,140 alleles (0.00062%); highest among the groups gnomAD compares: Admixed American, 0.0017%; no homozygotes.

Submissions (2):

Ambry Genetics
Classification: Uncertain significance for Inborn genetic diseases. Last evaluated: 2025-06-18. Review status: criteria provided, single submitter. Criteria: Ambry Variant Classification Scheme 2023. Collection method: clinical testing. Allele origin: germline.

Labcorp Genetics (formerly Invitae), Labcorp
Classification: Uncertain significance. Last evaluated: 2022-12-26. Review status: criteria provided, single submitter. Criteria: Invitae Variant Classification Sherloc (09022015). Collection method: clinical testing. Allele origin: germline.
Comment: Algorithms developed to predict the effect of missense changes on protein structure and function output the following: SIFT: "Tolerated"; PolyPhen-2: "Benign"; Align-GVGD: "Class C0". The valine amino acid residue is found in multiple mammalian species, which suggests that this missense change does not adversely affect protein function. This sequence change replaces isoleucine, which is neutral and non-polar, with valine, which is neutral and non-polar, at codon 1007 of the VCAN protein (p.Ile1007Val). This variant is present in population databases (no rsID available, gnomAD 0.003%). This variant has not been reported in the literature in individuals affected with VCAN-related conditions. In summary, the available evidence is currently insufficient to determine the role of this variant in disease. Therefore, it has been classified as a Variant of Uncertain Significance.

NM_004385.5(VCAN):c.3019A>G (p.Ile1007Val)

Gene: VCAN (versican; plus strand). Cytogenetic location: 5q14.3.
Variant type: single nucleotide variant.
Coding change: c.3019A>G on transcript NM_004385.5 (MANE Select); coding-DNA position 3019, A replaced by G.
Protein change: p.Ile1007Val; replaces isoleucine 1007 with valine.
Molecular consequence: missense variant. On other transcripts: intron variant (2).
Genome position (GRCh38, 1-based): chr5:83,521,325, A>G. VCF-style: chr5-83521325-A-G. GRCh37 (hg19) VCF-style: chr5-82817144-A-G.
Other names: c.3019A>G (NM_004385.4); c.3019A>G, p.Ile1007Val (NM_001164098.2); c.1042+8929A>G (NM_001164097.2, NM_001126336.3); short protein forms I1007V.
Identifiers: ClinVar variation 2824342 (VCV002824342.4), dbSNP rs1213940478, ClinGen allele CA360305170.